The following is an entry in ClinVar:

ClinVar aggregate classification (germline): Benign/Likely benign. Review status: criteria provided, multiple submitters, no conflicts (2 of 4 stars). 6 submissions from 5 submitters: Benign (4); Likely benign (2). Last evaluated 2025-06-26.

Conditions:
KCNT1-related disorder. Also called: KCNT1-related condition.
Inborn genetic diseases. Identifiers: MedGen C0950123, MeSH D030342.
Developmental and epileptic encephalopathy, 14 (DEE14). Also called: Early infantile epileptic encephalopathy 14. Identifiers: Orphanet 293181, MedGen C3554195, MONDO:0013989, OMIM 614959.
Autosomal dominant nocturnal frontal lobe epilepsy 5. Also called: Epilepsy, nocturnal frontal lobe, 5; KCNT1-Related Epilepsy; CILIARY DYSKINESIA, PRIMARY, 28, WITHOUT SITUS INVERSUS; CILIARY DYSKINESIA, PRIMARY, 28, WITH SITUS INVERSUS. Identifiers: Orphanet 98784, MedGen C3554306, MONDO:0014002, OMIM 615005.

Allele frequency attached by ClinVar (database versions not stated): ESP Exome Variant Server 0.00040; TOPMed 0.00048; gnomAD 0.00036 and 0.00039; gnomAD exomes 0.00011; ExAC 0.00014.
gnomAD v4.1: 105 of 1,606,658 alleles (0.0065%); highest among the groups gnomAD compares: African/African-American, 0.14%; no homozygotes.

Submissions (6):

PreventionGenetics, part of Exact Sciences
Classification: Likely benign for KCNT1-related condition. Last evaluated: 2025-06-26. Review status: criteria provided, single submitter. Criteria: ACMG Guidelines, 2015. Collection method: clinical testing. Allele origin: germline.
Comment: This variant is classified as likely benign based on ACMG/AMP sequence variant interpretation guidelines (Richards et al. 2015 PMID: 25741868, with internal and published modifications).

ARUP Laboratories, Molecular Genetics and Genomics, ARUP Laboratories
Classification: Likely benign. Last evaluated: 2025-03-13. Review status: criteria provided, single submitter. Criteria: ARUP Molecular Germline Variant Investigation Process 2024. Collection method: clinical testing. Allele origin: germline.

Genome-Nilou Lab
Classification: Benign for Developmental and epileptic encephalopathy, 14. Last evaluated: 2022-03-15. Review status: criteria provided, single submitter. Criteria: ACMG Guidelines, 2015. Collection method: clinical testing. Allele origin: germline. Affected: no.

Genome-Nilou Lab
Classification: Benign for Autosomal dominant nocturnal frontal lobe epilepsy 5. Last evaluated: 2022-03-15. Review status: criteria provided, single submitter. Criteria: ACMG Guidelines, 2015. Collection method: clinical testing. Allele origin: germline. Affected: no.

GeneDx
Classification: Benign. Last evaluated: 2018-10-26. Review status: criteria provided, single submitter. Criteria: GeneDx Variant Classification Process June 2021. Collection method: clinical testing. Allele origin: germline. Affected: yes.

Ambry Genetics
Classification: Benign for Inborn genetic diseases. Last evaluated: 2018-10-11. Review status: criteria provided, single submitter. Criteria: Ambry Variant Classification Scheme 2023. Collection method: clinical testing. Allele origin: germline.

NM_020822.3(KCNT1):c.-1C>A

Gene: KCNT1 (potassium sodium-activated channel subfamily T member 1; plus strand). Cytogenetic location: 9q34.3.
Variant type: single nucleotide variant.
Coding change: c.-1C>A on transcript NM_020822.3 (MANE Select); 1 bases upstream of the start codon, C replaced by A.
Molecular consequence: 5 prime UTR variant.
Genome position (GRCh38, 1-based): chr9:135,702,258, C>A. VCF-style: chr9-135702258-C-A. GRCh37 (hg19) VCF-style: chr9-138594104-C-A.
Other names: c.-1C>A (NM_001272003.2).
Identifiers: ClinVar variation 388332 (VCV000388332.11), dbSNP rs149383208, ClinGen allele CA5326214.